The following is an entry in ClinVar:

NM_001148.6(ANK2):c.*446T>C

Gene: ANK2 (ankyrin 2; plus strand). Cytogenetic location: 4q26.
Variant type: single nucleotide variant.
Coding change: c.*446T>C on transcript NM_001148.6 (MANE Select); 446 bases downstream of the stop codon, T replaced by C.
Molecular consequence: 3 prime UTR variant.
Genome position (GRCh38, 1-based): chr4:113,381,917, T>C. VCF-style: chr4-113381917-T-C. GRCh37 (hg19) VCF-style: chr4-114303073-T-C.
Other names: c.*446T>C (NM_001127493.3, NM_001354225.2, NM_001354228.2 and 67 more transcripts); c.*277T>C (NM_001386174.1, NM_001386175.1).
Identifiers: ClinVar variation 347354 (VCV000347354.5), dbSNP rs114488000, ClinGen allele CA10617801.

ClinVar aggregate classification (germline): Benign (1 of 4 stars; one submission).

Conditions:
Cardiac arrhythmia, ankyrin-B-related. Also called: ANKYRIN-B SYNDROME. Identifiers: Orphanet 101016, Orphanet 768, MedGen C1970119, MONDO:0010958, OMIM 600919.

Allele frequency attached by ClinVar (database versions not stated): gnomAD exomes 0.00079; 1000 Genomes Project 30x 0.00734; gnomAD 0.00750 and 0.00794; 1000 Genomes Project 0.00779; TOPMed 0.00852.
gnomAD v4.1: 1,282 of 347,102 alleles (0.37%); highest among the groups gnomAD compares: African/African-American, 2.6%; 15 homozygotes.

Submission:

Illumina Laboratory Services, Illumina
Classification: Benign for Cardiac arrhythmia, ankyrin-B-related. Last evaluated: 2018-01-13. Review status: criteria provided, single submitter. Criteria: ICSL Variant Classification Criteria 13 December 2019. Collection method: clinical testing. Allele origin: germline.
Comment: This variant was observed in the ICSL laboratory as part of a predisposition screen in an ostensibly healthy population. It had not been previously curated by ICSL or reported in the Human Gene Mutation Database (HGMD: prior to June 1st, 2018), and was therefore a candidate for classification through an automated scoring system. Utilizing variant allele frequency, disease prevalence and penetrance estimates, and inheritance mode, an automated score was calculated to assess if this variant is too frequent to cause the disease. Based on the score and internal cut-off values, a variant classified as benign is not then subjected to further curation. The score for this variant resulted in a classification of benign for this disease.